The following is an entry in ClinVar:

ClinVar aggregate classification (germline): Likely benign (0 of 4 stars; one submission).

Conditions:
GPR68-related disorder. Also called: GPR68-related condition.

Allele frequency attached by ClinVar (database versions not stated): gnomAD exomes 0.00016; ExAC 0.00054; ESP Exome Variant Server 0.00131; 1000 Genomes Project 0.00140; 1000 Genomes Project 30x 0.00156; gnomAD 0.00157; TOPMed 0.00176.

Submission:

PreventionGenetics, part of Exact Sciences
Classification: Likely benign for GPR68-related condition. Last evaluated: 2019-08-22. Review status: no assertion criteria provided. Collection method: clinical testing. Allele origin: germline.
Comment: This variant is classified as likely benign based on ACMG/AMP sequence variant interpretation guidelines (Richards et al. 2015 PMID: 25741868, with internal and published modifications).

NM_001177676.2(GPR68):c.135C>T (p.Phe45=)

Gene: GPR68 (G protein-coupled receptor 68; minus strand). Cytogenetic location: 14q32.11.
Variant type: single nucleotide variant.
Coding change: c.135C>T on transcript NM_001177676.2 (MANE Select); coding-DNA position 135, C replaced by T.
Protein change: p.Phe45=; no amino-acid change (phenylalanine 45 retained).
Molecular consequence: synonymous variant.
Genome position (GRCh38, 1-based): chr14:91,234,916, G>A on the plus strand (C>T on the coding strand, the complement: GPR68 is on the minus strand). VCF-style: chr14-91234916-G-A. GRCh37 (hg19) VCF-style: chr14-91701260-G-A.
Other names: c.135C>T, p.Phe45= (NM_001348437.1, NM_003485.3).
Identifiers: ClinVar variation 3053617 (VCV003053617.2), dbSNP rs150286185, ClinGen allele CA7308422.